The following is an entry in ClinVar:

ClinVar aggregate classification (germline): Uncertain significance (1 of 4 stars; one submission).

Conditions:
Myofibrillar myopathy 4. Also called: Zaspopathy (type). Identifiers: Orphanet 98912, MedGen C4721886, MONDO:0012277, OMIM 609452.

Allele frequency attached by ClinVar (database versions not stated): gnomAD exomes below 0.00001; TOPMed below 0.00001.
gnomAD v4.1: 1 of 1,612,884 alleles (0.000062%); highest among the groups gnomAD compares: African/African-American, 0.0013%; no homozygotes.

Submission:

Labcorp Genetics (formerly Invitae), Labcorp
Classification: Uncertain significance for Myofibrillar myopathy 4. Last evaluated: 2023-03-20. Review status: criteria provided, single submitter. Criteria: Invitae Variant Classification Sherloc (09022015). Collection method: clinical testing. Allele origin: germline.
Comment: This variant has not been reported in the literature in individuals affected with LDB3-related conditions. In summary, the available evidence is currently insufficient to determine the role of this variant in disease. Therefore, it has been classified as a Variant of Uncertain Significance. Experimental studies and prediction algorithms are not available or were not evaluated, and the functional significance of this variant is currently unknown. This variant is not present in population databases (gnomAD no frequency). This sequence change replaces cysteine, which is neutral and slightly polar, with serine, which is neutral and polar, at codon 308 of the LDB3 protein (p.Cys308Ser). The LDB3 gene has multiple clinically relevant transcripts. This variant occurs in alternate transcript NM_007078.3, and corresponds to NM_001080116.1:c.*7183G>C in the primary transcript.

NM_007078.3(LDB3):c.923G>C (p.Cys308Ser)

Gene: LDB3 (LIM domain binding 3; plus strand). Cytogenetic location: 10q23.2.
Variant type: single nucleotide variant.
Coding change: c.923G>C on transcript NM_007078.3 (MANE Select); coding-DNA position 923, G replaced by C.
Protein change: p.Cys308Ser; replaces cysteine 308 with serine.
Molecular consequence: missense variant. On other transcripts: intron variant (4).
Genome position (GRCh38, 1-based): chr10:86,706,557, G>C. VCF-style: chr10-86706557-G-C. GRCh37 (hg19) VCF-style: chr10-88466314-G-C.
Other names: c.782G>C, p.Cys261Ser (NM_001368066.1); c.897-3348G>C (NM_001368064.1, NM_001368065.1); c.1101-3348G>C (NM_001171610.2); c.756-3348G>C (NM_001080114.2); short protein forms C308S, C261S.
Identifiers: ClinVar variation 2827514 (VCV002827514.3), dbSNP rs1846451229, ClinGen allele CA377446517.
Genomic context (GRCh38, chr10:86,706,557, plus strand): 5'-TTGACCTGTTGTCTTTTTGGTCCCGCCTCATCAGCACCCCTATTGAGCATGCGCCGGTGT[G>C]CACCAGCCAGGCCACCACCCCGCTGCTGCCCGCTTCTGCCCAGCCACCTGCTGCTGCCTC-3'
Protein context (NP_009009.1, residues 298-318): SSTPIEHAPV[Cys308Ser]TSQATTPLLP